The following is an entry in ClinVar:

ClinVar aggregate classification (germline): Pathogenic/Likely pathogenic. Review status: criteria provided, multiple submitters, no conflicts (2 of 4 stars). 2 submissions from 2 submitters: Pathogenic (1); Likely pathogenic (1). Last evaluated 2026-08-12.
ClinVar aggregate classification (oncogenicity): Uncertain significance (1 of 4 stars; one submission).

Conditions:
Juvenile polyposis syndrome (JPS). Identifiers: Orphanet 2929, MedGen C0345893, MONDO:0017380, OMIM 174900.
Hereditary cancer-predisposing syndrome. Also called: Neoplastic Syndromes, Hereditary; Hereditary Cancer Syndrome; Tumor predisposition; Hereditary neoplastic syndrome. Identifiers: Orphanet 140162, MedGen C0027672, MeSH D009386, MONDO:0015356.
Generalized juvenile polyposis/juvenile polyposis coli. Also called: Juvenile polyposis coli. Identifiers: Orphanet 329971, MedGen C1868081, MONDO:0008276.
Neoplasm. Also called: tumor; Neoplasms; Neoplasm (disease). Identifiers: MedGen C0027651, MeSH D009369, MONDO:0005070, HP:0002664.

Allele frequency attached by ClinVar (database versions not stated): gnomAD 0.00001; TOPMed below 0.00001.
gnomAD v4.1: 1 of 1,614,000 alleles (0.000062%); highest among the groups gnomAD compares: Non-Finnish European, 0.000085%; no homozygotes.

Submissions (3):

Ambry Genetics
Classification: Pathogenic for Hereditary cancer-predisposing syndrome. Last evaluated: 2026-08-12. Review status: criteria provided, single submitter. Criteria: Ambry Variant Classification Scheme 2023. Collection method: clinical testing. Allele origin: germline.
Comment: The p.E411K pathogenic mutation (also known as c.1231G>A), located in coding exon 9 of the BMPR1A gene, results from a G to A substitution at nucleotide position 1231. The glutamic acid at codon 411 is replaced by lysine, an amino acid with some similar properties. This variant was reported in individual(s) with features consistent with BMPR1A-related juvenile polyposis syndrome (Pyatt RE, J Mol Diagn 2006 Feb; 8(1):84-8; Ambry internal data; external communication). This amino acid position is highly conserved in available vertebrate species. In addition, this alteration is predicted to be deleterious by in silico analysis. This variant is considered to be rare based on population cohorts in the Genome Aggregation Database (gnomAD). Based on the supporting evidence, this variant is interpreted as a disease-causing mutation.

Labcorp Genetics (formerly Invitae), Labcorp
Classification: Likely pathogenic for Juvenile polyposis syndrome. Last evaluated: 2025-10-16. Review status: criteria provided, single submitter. Criteria: Invitae Variant Classification Sherloc (09022015). Collection method: clinical testing. Allele origin: germline.
Comment: This sequence change replaces glutamic acid, which is acidic and polar, with lysine, which is basic and polar, at codon 411 of the BMPR1A protein (p.Glu411Lys). This variant is not present in population databases (gnomAD no frequency). This missense change has been observed in individuals with juvenile polyposis (PMID: 16436638; internal data). ClinVar contains an entry for this variant (Variation ID: 185988). Invitae Evidence Modeling of protein sequence and biophysical properties (such as structural, functional, and spatial information, amino acid conservation, physicochemical variation, residue mobility, and thermodynamic stability) has been performed for this missense variant. However, the output from this modeling did not meet the statistical confidence thresholds required to predict the impact of this variant on BMPR1A protein function. In summary, the currently available evidence indicates that the variant is pathogenic, but additional data are needed to prove that conclusively. Therefore, this variant has been classified as Likely Pathogenic.

Center for Genomic Medicine, Rigshospitalet, Copenhagen University Hospital
Classification: Uncertain significance for Neoplasm. Last evaluated: 2025-03-04. Review status: criteria provided, single submitter. Criteria: ClinGen/CGC/VICC Guidelines for Oncogenicity, 2022. Collection method: clinical testing. Allele origin: somatic. Affected: yes.

Literature cited by the submitters: PubMed 16436638 (cited by Ambry Genetics and Labcorp Genetics (formerly Invitae), Labcorp); PubMed 22138346 (cited by Ambry Genetics).

NM_004329.3(BMPR1A):c.1231G>A (p.Glu411Lys)

Gene: BMPR1A (bone morphogenetic protein receptor type 1A; plus strand). Cytogenetic location: 10q23.2.
Variant type: single nucleotide variant.
Coding change: c.1231G>A on transcript NM_004329.3 (MANE Select); coding-DNA position 1231, G replaced by A.
Protein change: p.Glu411Lys; replaces glutamic acid 411 with lysine.
Molecular consequence: missense variant.
Genome position (GRCh38, 1-based): chr10:86,921,584, G>A. VCF-style: chr10-86921584-G-A. GRCh37 (hg19) VCF-style: chr10-88681341-G-A.
Other names: short protein forms E411K.
Identifiers: ClinVar variation 185988 (VCV000185988.16), dbSNP rs786202611, ClinGen allele CA193569.